The following is an entry in ClinVar:

ClinVar aggregate classification (germline): Conflicting classifications of pathogenicity. Review status: criteria provided, conflicting classifications (1 of 4 stars). 8 submissions from 8 submitters: Uncertain significance (7); Likely benign (1). Last evaluated 2026-06-12.

Conditions:
TTN-related disorder. Also called: TTN-related condition; TTN-related disease; TTN-related disorders.
Dilated cardiomyopathy 1G (CMD1G). Identifiers: Orphanet 154, MedGen C1858763, MONDO:0011400, OMIM 604145.
Autosomal recessive limb-girdle muscular dystrophy type 2J (LGMDR10). Also called: Limb-girdle muscular dystrophy, type 2J; MUSCULAR DYSTROPHY, LIMB-GIRDLE, AUTOSOMAL RECESSIVE 10. Identifiers: Orphanet 140922, MedGen C1837342, MONDO:0012127, OMIM 608807.

Allele frequency attached by ClinVar (database versions not stated): TOPMed 0.00001; ExAC 0.00002; gnomAD 0.00002 and 0.00003; 1000 Genomes Project 30x 0.00031; 1000 Genomes Project 0.00040.
gnomAD v4.1: 18 of 1,613,092 alleles (0.0011%); highest among the groups gnomAD compares: Admixed American, 0.023%; no homozygotes.

Submissions (8):

Women's Health and Genetics/Laboratory Corporation of America, LabCorp
Classification: Uncertain significance. Last evaluated: 2026-06-12. Review status: criteria provided, single submitter. Criteria: LabCorp Variant Classification Summary - May 2015. Collection method: clinical testing. Allele origin: germline.

PreventionGenetics, part of Exact Sciences
Classification: Uncertain significance for TTN-related condition. Last evaluated: 2026-04-14. Review status: criteria provided, single submitter. Criteria: ACMG Guidelines, 2015. Collection method: clinical testing. Allele origin: germline.
Comment: The TTN c.85624A>G variant is predicted to result in the amino acid substitution p.Ile28542Val. To our knowledge, this variant has not been reported in the literature. This variant is reported in 0.0058% of alleles in individuals of Latino descent in gnomAD. At this time, the clinical significance of this variant is uncertain due to the absence of conclusive functional and genetic evidence.

CeGaT Center for Human Genetics Tuebingen
Classification: Uncertain significance. Last evaluated: 2026-03-01. Review status: criteria provided, single submitter. Criteria: CeGaT Center For Human Genetics Tuebingen Variant Classification Criteria Version 2. Collection method: clinical testing. Allele origin: germline. Affected: yes. Observed: 1 variant allele.
Comment: TTN: PM2, BP4

Molecular Diagnostic Laboratory for Inherited Cardiovascular Disease, Montreal Heart Institute
Classification: Likely benign. Last evaluated: 2025-04-09. Review status: criteria provided, single submitter. Criteria: ACMG Guidelines, 2015. Collection method: clinical testing. Allele origin: germline. Affected: no.
Comment: BP1

GeneDx
Classification: Uncertain significance. Last evaluated: 2024-11-04. Review status: criteria provided, single submitter. Criteria: GeneDx Variant Classification Process June 2021. Collection method: clinical testing. Allele origin: germline. Affected: yes.
Comment: Not observed at significant frequency in large population cohorts (gnomAD); Missense variant in a gene in which most reported pathogenic variants are truncating/loss of function; Has not been previously published as pathogenic or benign to our knowledge; Located in the A-band region of TTN in which the majority of loss of function variants have been associated with autosomal dominant titinopathies (PMID: 22335739); This variant is associated with the following publications: (PMID: 23861362)

Labcorp Genetics (formerly Invitae), Labcorp
Classification: Uncertain significance for Dilated cardiomyopathy 1G; Autosomal recessive limb-girdle muscular dystrophy type 2J. Last evaluated: 2017-06-07. Review status: criteria provided, single submitter. Criteria: Invitae Variant Classification Sherloc (09022015). Collection method: clinical testing. Allele origin: germline.

Eurofins Ntd Llc (ga)
Classification: Uncertain significance. Last evaluated: 2014-11-20. Review status: criteria provided, single submitter. Criteria: EGL Classification Definitions 2015. Collection method: clinical testing. Allele origin: germline. Observed: 1 variant allele, 1 heterozygote.

Biesecker Lab/Clinical Genomics Section, National Institutes of Health
Classification: Uncertain significance. Last evaluated: 2013-06-24. Review status: criteria provided, single submitter. Criteria: Ng et al. (Circ Cardiovasc Genet. 2013). Collection method: research. Allele origin: unknown. Observed: 1 variant allele. Study: ClinSeq.
Comment: The study set was not selected for affection status in relation to any cancer. Pathogenicity categories were based on literature curation. See Pubmed ID:23861362 for details.

Medical sequencing

NM_001267550.2(TTN):c.85624A>G (p.Ile28542Val)

Genes: TTN (titin; minus strand), TTN-AS1 (TTN antisense RNA 1; plus strand). Cytogenetic location: 2q31.2.
Variant type: single nucleotide variant.
Coding change: c.85624A>G on transcript NM_001267550.2 (MANE Select); coding-DNA position 85624, A replaced by G.
Protein change: p.Ile28542Val; replaces isoleucine 28542 with valine.
Molecular consequence: missense variant.
Genome position (GRCh38, 1-based): chr2:178,560,508, T>C on the plus strand (A>G on the coding strand, the complement: TTN is on the minus strand). VCF-style: chr2-178560508-T-C. GRCh37 (hg19) VCF-style: chr2-179425235-T-C.
Other names: c.80701A>G, p.Ile26901Val (NM_001256850.1); c.58429A>G, p.Ile19477Val (NM_003319.4); c.77920A>G, p.Ile25974Val (NM_133378.4); c.58804A>G, p.Ile19602Val (NM_133432.3); c.59005A>G, p.Ile19669Val (NM_133437.4); c.85624A>G (NM_001267550.1); short protein forms I25974V, I28542V, I19477V, I19602V, I26901V, I19669V.
Identifiers: ClinVar variation 191869 (VCV000191869.15), dbSNP rs554841820, ClinGen allele CA237746.